The following is an entry in ClinVar:

ClinVar aggregate classification (germline): Uncertain significance. Review status: criteria provided, multiple submitters, no conflicts (2 of 4 stars). 2 submissions from 2 submitters: Uncertain significance (2). Last evaluated 2024-04-25.

Conditions:
Leber congenital amaurosis 2 (LCA2). Also called: AMAUROSIS CONGENITA OF LEBER II; Autosomal Recessive RPE65-Related Retinal Degeneration. Identifiers: Orphanet 65, MedGen C1859844, MONDO:0008765, OMIM 204100. Disease mechanism: loss of function.
Retinitis pigmentosa 20 (RP20). Identifiers: Orphanet 791, MedGen C3151086, MONDO:0013425, OMIM 613794.

Allele frequency attached by ClinVar (database versions not stated): TOPMed below 0.00001; gnomAD exomes 0.00001.
gnomAD v4.1: 9 of 1,613,826 alleles (0.00056%); highest among the groups gnomAD compares: Non-Finnish European, 0.00076%; no homozygotes.

Submissions (2):

Labcorp Genetics (formerly Invitae), Labcorp
Classification: Uncertain significance for Leber congenital amaurosis 2; Retinitis pigmentosa 20. Last evaluated: 2024-04-25. Review status: criteria provided, single submitter. Criteria: Invitae Variant Classification Sherloc (09022015). Collection method: clinical testing. Allele origin: germline.
Comment: This sequence change replaces aspartic acid, which is acidic and polar, with asparagine, which is neutral and polar, at codon 375 of the RPE65 protein (p.Asp375Asn). This variant is not present in population databases (gnomAD no frequency). This variant has not been reported in the literature in individuals affected with RPE65-related conditions. ClinVar contains an entry for this variant (Variation ID: 1378057). Advanced modeling of protein sequence and biophysical properties (such as structural, functional, and spatial information, amino acid conservation, physicochemical variation, residue mobility, and thermodynamic stability) performed at Invitae indicates that this missense variant is not expected to disrupt RPE65 protein function with a negative predictive value of 80%. In summary, the available evidence is currently insufficient to determine the role of this variant in disease. Therefore, it has been classified as a Variant of Uncertain Significance.

Blueprint Genetics
Classification: Uncertain significance. Last evaluated: 2023-11-16. Review status: criteria provided, single submitter. Criteria: ACMG Guidelines, 2015. Collection method: clinical testing. Allele origin: germline.

NM_000329.3(RPE65):c.1123G>A (p.Asp375Asn)

Gene: RPE65 (retinoid isomerohydrolase RPE65; minus strand). Cytogenetic location: 1p31.3.
Variant type: single nucleotide variant.
Coding change: c.1123G>A on transcript NM_000329.3 (MANE Select); coding-DNA position 1123, G replaced by A.
Protein change: p.Asp375Asn; replaces aspartic acid 375 with asparagine.
Molecular consequence: missense variant.
Genome position (GRCh38, 1-based): chr1:68,438,192, C>T on the plus strand (G>A on the coding strand, the complement: RPE65 is on the minus strand). VCF-style: chr1-68438192-C-T. GRCh37 (hg19) VCF-style: chr1-68903875-C-T.
Other names: short protein forms D375N.
Identifiers: ClinVar variation 1378057 (VCV001378057.6), dbSNP rs1645874113, ClinGen allele CA340743995.